The following is an entry in ClinVar:

ClinVar aggregate classification (germline): Conflicting classifications of pathogenicity. Review status: criteria provided, conflicting classifications (1 of 4 stars). 2 submissions from 2 submitters: Uncertain significance (1); Likely benign (1). Last evaluated 2023-02-01.

Conditions:
Hypogonadotropic hypogonadism 5 with or without anosmia (KAL5). Also called: CHD7-Related GnRH Deficiency (Kallmann Syndrome 5); HYPOGONADOTROPIC HYPOGONADISM 5 WITH ANOSMIA; HYPOGONADOTROPHIC HYPOGONADISM 5 WITHOUT ANOSMIA. Identifiers: Orphanet 478, MedGen C3552553, MONDO:0012880, OMIM 612370. Disease mechanism: loss of function.

Allele frequency attached by ClinVar (database versions not stated): 1000 Genomes Project 0.00040; 1000 Genomes Project 30x 0.00047; gnomAD 0.00107 and 0.00117; TOPMed 0.00137.

Submissions (2):

CeGaT Center for Human Genetics Tuebingen
Classification: Likely benign. Last evaluated: 2023-02-01. Review status: criteria provided, single submitter. Criteria: CeGaT Center For Human Genetics Tuebingen Variant Classification Criteria Version 2. Collection method: clinical testing. Allele origin: germline. Affected: yes. Observed: 3 variant alleles.
Comment: CHD7: BS1

Illumina Laboratory Services, Illumina
Classification: Uncertain significance for Kallmann Syndrome 5. Last evaluated: 2018-01-13. Review status: criteria provided, single submitter. Criteria: ICSL Variant Classification Criteria 13 December 2019. Collection method: clinical testing. Allele origin: germline.

NM_017780.4(CHD7):c.*1143A>G

Gene: CHD7 (chromodomain helicase DNA binding protein 7; plus strand). Cytogenetic location: 8q12.2.
Variant type: single nucleotide variant.
Coding change: c.*1143A>G on transcript NM_017780.4 (MANE Select); 1143 bases downstream of the stop codon, A replaced by G.
Molecular consequence: 3 prime UTR variant.
Genome position (GRCh38, 1-based): chr8:60,867,076, A>G. VCF-style: chr8-60867076-A-G. GRCh37 (hg19) VCF-style: chr8-61779635-A-G.
Other names: c.*1143A>G (NM_001316690.1).
Identifiers: ClinVar variation 911940 (VCV000911940.33), dbSNP rs45573835, ClinGen allele CA177330725.